The following is an entry in ClinVar:

ClinVar aggregate classification (germline): Uncertain significance (1 of 4 stars; one submission).

Conditions:
Severe combined immunodeficiency due to DNA-PKcs deficiency. Also called: IMMUNODEFICIENCY 26 WITH NEUROLOGIC ABNORMALITIES; Immunodeficiency 26 with or without neurologic abnormalities. Identifiers: Orphanet 317425, MedGen C4014833, MONDO:0014423, OMIM 615966.

Submission:

Labcorp Genetics (formerly Invitae), Labcorp
Classification: Uncertain significance for Immunodeficiency 26 with or without neurologic abnormalities. Last evaluated: 2019-01-23. Review status: criteria provided, single submitter. Criteria: Invitae Variant Classification Sherloc (09022015). Collection method: clinical testing. Allele origin: germline.
Comment: This sequence change replaces valine with leucine at codon 2400 of the PRKDC protein (p.Val2400Leu). The valine residue is moderately conserved and there is a small physicochemical difference between valine and leucine. This variant is not present in population databases (ExAC no frequency). This variant has not been reported in the literature in individuals with PRKDC-related conditions. Algorithms developed to predict the effect of missense changes on protein structure and function (SIFT, PolyPhen-2, Align-GVGD) all suggest that this variant is likely to be tolerated, but these predictions have not been confirmed by published functional studies and their clinical significance is uncertain. In summary, the available evidence is currently insufficient to determine the role of this variant in disease. Therefore, it has been classified as a Variant of Uncertain Significance.

NM_006904.7(PRKDC):c.7198G>T (p.Val2400Leu)

Gene: PRKDC (protein kinase, DNA-activated, catalytic subunit; minus strand). Cytogenetic location: 8q11.21.
Variant type: single nucleotide variant.
Coding change: c.7198G>T on transcript NM_006904.7 (MANE Select); coding-DNA position 7198, G replaced by T.
Protein change: p.Val2400Leu; replaces valine 2400 with leucine.
Molecular consequence: missense variant.
Genome position (GRCh38, 1-based): chr8:47,849,236, C>A on the plus strand (G>T on the coding strand, the complement: PRKDC is on the minus strand). VCF-style: chr8-47849236-C-A. GRCh37 (hg19) VCF-style: chr8-48761797-C-A.
Other names: c.7198G>T, p.Val2400Leu (NM_001081640.2); short protein forms V2400L.
Identifiers: ClinVar variation 852648 (VCV000852648.1), dbSNP rs2088348342, ClinGen allele CA371157556.